The following is an entry in ClinVar:

ClinVar aggregate classification (germline): Benign/Likely benign. Review status: criteria provided, multiple submitters, no conflicts (2 of 4 stars). 3 submissions from 3 submitters: Benign (1); Likely benign (2). Last evaluated 2026-08-01.

Allele frequency attached by ClinVar (database versions not stated): gnomAD exomes 0.00016; ExAC 0.00023; gnomAD 0.00081 and 0.00084; TOPMed 0.00082; ESP Exome Variant Server 0.00088; 1000 Genomes Project 30x 0.00156; 1000 Genomes Project 0.00160.

Submissions (3):

CeGaT Center for Human Genetics Tuebingen
Classification: Benign. Last evaluated: 2026-08-01. Review status: criteria provided, single submitter. Criteria: CeGaT Center For Human Genetics Tuebingen Variant Classification Criteria Version 2. Collection method: clinical testing. Allele origin: germline. Affected: yes. Observed: 1 variant allele.
Comment: KRT16: BS1, BS2

Labcorp Genetics (formerly Invitae), Labcorp
Classification: Likely benign. Last evaluated: 2026-01-16. Review status: criteria provided, single submitter. Criteria: Invitae Variant Classification Sherloc (09022015). Collection method: clinical testing. Allele origin: germline.

Blueprint Genetics
Classification: Likely benign. Last evaluated: 2024-06-20. Review status: criteria provided, single submitter. Criteria: ACMG Guidelines, 2015. Collection method: clinical testing. Allele origin: germline.

NM_005557.4(KRT16):c.337del (p.Leu113fs)

Gene: KRT16 (keratin 16; minus strand). Cytogenetic location: 17q21.2.
Variant type: Deletion.
Coding change: c.337del on transcript NM_005557.4 (MANE Select); coding-DNA position 337, one base deleted (C; older notation c.337delC).
Protein change: p.Leu113fs; shifts the reading frame from leucine 113.
Molecular consequence: frameshift variant.
Genome position (GRCh38, 1-based): chr17:41,612,352, G deleted on the plus strand (C on the coding strand, the reverse complement: KRT16 is on the minus strand). VCF-style (leftmost placement, unchanged base first): chr17-41612351-AG-A. GRCh37 (hg19) VCF-style: chr17-39768603-AG-A.
Other names: short protein forms L113fs.
Identifiers: ClinVar variation 711188 (VCV000711188.7), dbSNP rs540377400, ClinGen allele CA8563290.